The following is an entry in ClinVar:

NM_000553.6(WRN):c.2655T>A (p.Asn885Lys)

Gene: WRN (WRN RecQ like helicase; plus strand). Cytogenetic location: 8p12.
Variant type: single nucleotide variant.
Coding change: c.2655T>A on transcript NM_000553.6 (MANE Select); coding-DNA position 2655, T replaced by A.
Protein change: p.Asn885Lys; replaces asparagine 885 with lysine.
Molecular consequence: missense variant.
Genome position (GRCh38, 1-based): chr8:31,124,546, T>A. VCF-style: chr8-31124546-T-A. GRCh37 (hg19) VCF-style: chr8-30982062-T-A.
Other names: short protein forms N885K.
Identifiers: ClinVar variation 1011934 (VCV001011934.1), dbSNP rs1368942610, ClinGen allele CA370916717.

ClinVar aggregate classification (germline): Uncertain significance (1 of 4 stars; one submission).

Conditions:
Werner syndrome (WRN). Identifiers: Orphanet 902, MedGen C0043119, MONDO:0010196, OMIM 277700.

gnomAD v4.1: 1 of 1,612,470 alleles (0.000062%); highest among the groups gnomAD compares: Non-Finnish European, 0.000085%; no homozygotes.

Submission:

Labcorp Genetics (formerly Invitae), Labcorp
Classification: Uncertain significance for Werner syndrome. Last evaluated: 2020-09-03. Review status: criteria provided, single submitter. Criteria: Invitae Variant Classification Sherloc (09022015). Collection method: clinical testing. Allele origin: germline.
Comment: This sequence change replaces asparagine with lysine at codon 885 of the WRN protein (p.Asn885Lys). The asparagine residue is moderately conserved and there is a moderate physicochemical difference between asparagine and lysine. This variant is not present in population databases (ExAC no frequency). This variant has not been reported in the literature in individuals with WRN-related conditions. Algorithms developed to predict the effect of missense changes on protein structure and function are either unavailable or do not agree on the potential impact of this missense change (SIFT: Not Available; PolyPhen-2: Possibly Damaging; Align-GVGD: Not Available). In summary, the available evidence is currently insufficient to determine the role of this variant in disease. Therefore, it has been classified as a Variant of Uncertain Significance.